The following is an entry in ClinVar:

NM_000020.3(ACVRL1):c.1436G>A (p.Arg479Gln)

Gene: ACVRL1 (activin A receptor like type 1; plus strand). Cytogenetic location: 12q13.13.
Variant type: single nucleotide variant.
Coding change: c.1436G>A on transcript NM_000020.3 (MANE Select); coding-DNA position 1436, G replaced by A.
Protein change: p.Arg479Gln; replaces arginine 479 with glutamine.
Molecular consequence: missense variant.
Genome position (GRCh38, 1-based): chr12:51,920,817, G>A. VCF-style: chr12-51920817-G-A. GRCh37 (hg19) VCF-style: chr12-52314601-G-A.
Other names: c.1436G>A, p.Arg479Gln (NM_001077401.2); short protein forms R479Q.
Identifiers: ClinVar variation 426035 (VCV000426035.27), dbSNP rs1085307426, ClinGen allele CA384905684.

ClinVar aggregate classification (germline): Pathogenic/Likely pathogenic. Review status: criteria provided, multiple submitters, no conflicts (2 of 4 stars). 10 submissions from 10 submitters: Pathogenic (8); Likely pathogenic (1). 1 of the submissions does not count toward it. Last evaluated 2025-12-22.

Conditions:
Cardiovascular phenotype. Identifiers: MedGen CN230736.
ACVRL1-related disorder. Also called: ACVRL1-related condition; ACVRL1-related disorders.
Telangiectasia, hereditary hemorrhagic, type 2 (HHT2). Also called: Telangiectasia, hereditary hemorrhagic, type II; ACVRL1-Related Hereditary Hemorrhagic Telangiectasia. Identifiers: Orphanet 774, MedGen C1838163, MONDO:0010880, OMIM 600376. Disease mechanism: loss of function.
Pulmonary hypertension, primary, 1 (PPH1). Also called: Pulmonary hypertension, familial primary, 1, with or without HHT. Identifiers: Orphanet 422, MedGen C4552070, MONDO:0024533, OMIM 178600.

Allele frequency attached by ClinVar (database versions not stated): gnomAD 0.00001; gnomAD exomes below 0.00001.
gnomAD v4.1: 3 of 1,613,568 alleles (0.00019%); highest among the groups gnomAD compares: Non-Finnish European, 0.00025%; no homozygotes.

Submissions (10):

Labcorp Genetics (formerly Invitae), Labcorp
Classification: Pathogenic for Telangiectasia, hereditary hemorrhagic, type 2. Last evaluated: 2025-12-22. Review status: criteria provided, single submitter. Criteria: Invitae Variant Classification Sherloc (09022015). Collection method: clinical testing. Allele origin: germline.
Comment: This sequence change replaces arginine, which is basic and polar, with glutamine, which is neutral and polar, at codon 479 of the ACVRL1 protein (p.Arg479Gln). This variant is present in population databases (no rsID available, gnomAD 0.007%). This missense change has been observed in individuals with hemorrhagic telangiectasia (PMID: 16470787, 16705692, 21158752; internal datadatabase). It has also been observed to segregate with disease in related individuals. ClinVar contains an entry for this variant (Variation ID: 426035). Invitae Evidence Modeling of protein sequence and biophysical properties (such as structural, functional, and spatial information, amino acid conservation, physicochemical variation, residue mobility, and thermodynamic stability) indicates that this missense variant is expected to disrupt ACVRL1 protein function with a positive predictive value of 95%. Experimental studies have shown that this missense change affects ACVRL1 function (PMID: 20501893). For these reasons, this variant has been classified as Pathogenic.

Ambry Genetics
Classification: Pathogenic for Cardiovascular phenotype. Last evaluated: 2025-07-31. Review status: criteria provided, single submitter. Criteria: Ambry Variant Classification Scheme 2023. Collection method: clinical testing. Allele origin: germline.
Comment: The p.R479Q pathogenic mutation (also known as c.1436G>A), located in coding exon 9 of the ACVRL1 gene, results from a G to A substitution at nucleotide position 1436. The arginine at codon 479 is replaced by glutamine, an amino acid with highly similar properties. This mutation has been reported in multiple individuals meeting clinical diagnostic criteria for hereditary hemorrhagic telangiectasia (Bayrak-Toydemir P et al. Am. J. Med. Genet. A, 2006 Mar;140:463-70; Lesca G et al. Hum. Mutat., 2006 Jun;27:598; Giordano P et al. J. Pediatr., 2013 Jul;163:179-86.e1-3) and it has been shown to co-segregate with disease (Bayrak-Toydemir P et al. Exp. Mol. Pathol., 2008 Aug;85:45-9). In addition, an in vitro functional study demonstrated that although this mutation does not disrupt ligand binding, it does interfere with ligand signaling (Ricard N et al. Blood, 2010 Sep;116:1604-12). This amino acid position is highly conserved in available vertebrate species. In addition, this alteration is predicted to be deleterious by in silico analysis. This variant is considered to be rare based on population cohorts in the Genome Aggregation Database (gnomAD). Based on the supporting evidence, this variant is interpreted as a disease-causing mutation.

PreventionGenetics, part of Exact Sciences
Classification: Pathogenic for ACVRL1-related condition. Last evaluated: 2025-06-03. Review status: criteria provided, single submitter. Criteria: ACMG Guidelines, 2015. Collection method: clinical testing. Allele origin: germline.
Comment: The ACVRL1 c.1436G>A variant is predicted to result in the amino acid substitution p.Arg479Gln. This variant has been reported in individuals with hereditary hemorrhagic telangiectasia and segregated with disease in one family (Bayrak-Toydemir et al. 2008. PubMed ID: 18495117; McDonald et al. 2020. PubMed ID: 32300199; Kitayama et al. 2021. PubMed ID: 34872578). It has also been reported in individuals with pulmonary arterial hypertension (Fujiwara et al. 2008. PubMed ID: 18159113; Yang et al. 2018. PubMed ID: 29743074). In vitro experimental studies indicate this variant impacts protein function (Ricard et al. 2010. PubMed ID: 20501893). This variant is reported in 0.0065% of alleles in individuals of European (non-Finnish) descent in gnomAD. This variant is interpreted as pathogenic.

Revvity Omics, Revvity
Classification: Pathogenic for Telangiectasia, hereditary hemorrhagic, type 2. Last evaluated: 2024-11-27. Review status: criteria provided, single submitter. Criteria: ACMG Guidelines, 2015. Collection method: clinical testing. Allele origin: germline.

ARUP Laboratories, Molecular Genetics and Genomics, ARUP Laboratories
Classification: Pathogenic for Telangiectasia, hereditary hemorrhagic, type 2. Last evaluated: 2024-06-10. Review status: criteria provided, single submitter. Criteria: ARUP Molecular Germline Variant Investigation Process 2024. Collection method: clinical testing. Allele origin: germline.
Comment: The ACVRL1 c.1436G>A; p.Arg479Gln variant (rs1085307426, ClinVar Variation ID: 426035) has been described in families and individuals with HHT or pulmonary arterial hypertension (PAH) and has been reported to segregate with disease (Bayrak-Toydemir 2006, Bayrak-Toydemir 2008, Fujiwara 2008, Gedge 2007, Lesca 2006, McDonald 2011). This variant is only found on one allele in the Genome Aggregation Database (v2.1.1), indicating it is not a common polymorphism. Computational analyses predict that this variant is deleterious (REVEL: 0.919). In support of these predictions, this variant has been shown to have reduced function (Ricard 2010). Based on available information, this variant is considered to be pathogenic. References: Bayrak-Toydemir P et al. Genotype-phenotype correlation in hereditary hemorrhagic telangiectasia: mutations and manifestations. Am J Med Genet A. 2006 Mar 1;140(5):463-70. PMID: 16470787. Bayrak-Toydemir P et al. Likelihood ratios to assess genetic evidence for clinical significance of uncertain variants: hereditary hemorrhagic telangiectasia as a model. Exp Mol Pathol. 2008 Aug;85(1):45-9. PMID: 18495117. Fujiwara M et al. Implications of mutations of activin receptor-like kinase 1 gene (ALK1) in addition to bone morphogenetic protein receptor II gene (BMPR2) in children with pulmonary arterial hypertension. Circ J. 2008 Jan;72(1):127-33. PMID: 18159113. Gedge F et al. Clinical and analytical sensitivities in hereditary hemorrhagic telangiectasia testing and a report of de novo mutations. J Mol Diagn. 2007 Apr;9(2):258-65. PMID: 17384219. Lesca G et al. Distribution of ENG and ACVRL1 (ALK1) mutations in French HHT patients. Hum Mutat. 2006 Jun;27(6):598. PMID: 16705692. McDonald J et al. Molecular diagnosis in hereditary hemorrhagic telangiectasia: findings in a series tested simultaneously by sequencing and deletion/duplication analysis. Clin Genet. 2011 Apr;79(4):335-44. PMID: 21158752. Ricard N et al. Functional analysis of the BMP9 response of ALK1 mutants from HHT2 patients: a diagnostic tool for novel ACVRL1 mutations. Blood. 2010 Sep 2;116(9):1604-12. PMID: 20501893.

Fulgent Genetics
Classification: Pathogenic for Telangiectasia, hereditary hemorrhagic, type 2. Last evaluated: 2024-03-05. Review status: criteria provided, single submitter. Criteria: ACMG Guidelines, 2015. Collection method: clinical testing. Allele origin: germline.

Blueprint Genetics
Classification: Pathogenic for ACVRL1-related disorders. Last evaluated: 2023-11-28. Review status: criteria provided, single submitter. Criteria: ACMG Guidelines, 2015. Collection method: clinical testing. Allele origin: germline. Affected: yes. Observed: 3 variant alleles.

Genetics and Molecular Pathology, SA Pathology
Classification: Likely pathogenic for Telangiectasia, hereditary hemorrhagic, type 2. Last evaluated: 2023-01-09. Review status: criteria provided, single submitter. Criteria: ACMG Guidelines, 2015. Collection method: clinical testing. Allele origin: germline. Inheritance: Autosomal dominant inheritance. Affected: yes.
Comment: The ACVRL1 c.1436G>A variant is classified as Likely Pathogenic (PS4_Moderate, PM2_supporting, PS3_supporting, PM1_supporting, PP3). The ACVRL1 c.1436G>A variant is a single nucleotide change in exon 10/10 of the ACVRL1 gene, which is predicted to change the amino acid arginine at position 479 in the protein to glutamine. The variant has been reported in multiple individuals with a clinical presentation of HHT (PMID:34872578, PMID:32300199, PMID:16705692) (PS4_Moderate). The variant is rare in population databases (gnomAD allele frequency = 0.0013%; 2 het and 0 hom in 151854 sequenced alleles; highest frequency = 0.0029%, Non-Finnish European population) (PM2_supporting). Functional studies show a deleterious effect of this variant (PMID:20501893) (PS3_supporting). This variant is located in the conserved serine/threonine kinase domain (PMID:34872578) (PM1_supporting). Computational predictions support a deleterious effect on the gene or gene product (PP3). The variant has been reported in dbSNP (rs1085307426) and has been reported as Pathogenic by other diagnostic laboratories (ClinVar Variation ID: 426035). It has not been reported in HGMD.

Mayo Clinic Laboratories, Mayo Clinic
Classification: Pathogenic. Last evaluated: 2022-12-21. Review status: criteria provided, single submitter. Criteria: ACMG Guidelines, 2015. Collection method: clinical testing. Allele origin: germline. Observed: 1 variant allele.
Comment: PP1_strong, PP3, PP4, PM2_supporting, PS3_supporting, PS4_moderate

Rare Disease Genomics Group, St George's University of London
Classification: Pathogenic for Primary pulmonary hypertension. Review status: no assertion criteria provided. Collection method: literature only. Allele origin: germline. Affected: yes. Not counted in ClinVar's aggregate classification.

Literature cited by the submitters: PubMed 16470787 (cited by 3 submitters); PubMed 16705692 (cited by 3 submitters); PubMed 21158752 (cited by Labcorp Genetics (formerly Invitae), Labcorp and Mayo Clinic Laboratories, Mayo Clinic); PubMed 20501893 (cited by 4 submitters); PubMed 18495117 (cited by Ambry Genetics and Mayo Clinic Laboratories, Mayo Clinic); PubMed 23535011 (cited by Ambry Genetics and Mayo Clinic Laboratories, Mayo Clinic); PubMed 32300199 (cited by 3 submitters); PubMed 34872578 (cited by Genetics and Molecular Pathology, SA Pathology); PubMed 17384219 (cited by Mayo Clinic Laboratories, Mayo Clinic); PubMed 18159113 (cited by Mayo Clinic Laboratories, Mayo Clinic and Rare Disease Genomics Group, St George's University of London); PubMed 26387786 (cited by Mayo Clinic Laboratories, Mayo Clinic).